The following is an entry in ClinVar:

ClinVar aggregate classification (germline): Uncertain significance (1 of 4 stars; one submission).

Submission:

Ambry Genetics
Classification: Uncertain significance. Last evaluated: 2024-03-14. Review status: criteria provided, single submitter. Criteria: Ambry Variant Classification Scheme 2023. Collection method: clinical testing. Allele origin: germline.
Comment: The p.T444K variant (also known as c.1331C>A), located in coding exon 12 of the BUB1 gene, results from a C to A substitution at nucleotide position 1331. The threonine at codon 444 is replaced by lysine, an amino acid with similar properties. This amino acid position is conserved. In addition, this alteration is predicted to be deleterious by in silico analysis. Based on the available evidence, the clinical significance of this alteration remains unclear.

NM_004336.5(BUB1):c.1331C>A (p.Thr444Lys)

Gene: BUB1 (BUB1 mitotic checkpoint serine/threonine kinase; minus strand). Cytogenetic location: 2q13.
Variant type: single nucleotide variant.
Coding change: c.1331C>A on transcript NM_004336.5 (MANE Select); coding-DNA position 1331, C replaced by A.
Protein change: p.Thr444Lys; replaces threonine 444 with lysine.
Molecular consequence: missense variant.
Genome position (GRCh38, 1-based): chr2:110,658,688, G>T on the plus strand (C>A on the coding strand, the complement: BUB1 is on the minus strand). VCF-style: chr2-110658688-G-T. GRCh37 (hg19) VCF-style: chr2-111416265-G-T.
Other names: c.1271C>A, p.Thr424Lys (NM_001278616.2); c.1331C>A, p.Thr444Lys (NM_001278617.2); short protein forms T424K, T444K.
Identifiers: ClinVar variation 3223996 (VCV003223996.1), dbSNP rs2468010433, ClinGen allele CA348212650.